The following is an entry in ClinVar:

NM_001163435.3(TBCK):c.1220+3G>C

Gene: TBCK (TBC1 domain containing kinase; minus strand). Cytogenetic location: 4q24.
Variant type: single nucleotide variant.
Coding change: c.1220+3G>C on transcript NM_001163435.3 (MANE Select); 3 bases into the intron after coding-DNA position 1220, G replaced by C.
Molecular consequence: intron variant.
Genome position (GRCh38, 1-based): chr4:106,236,756, C>G on the plus strand (G>C on the coding strand, the complement: TBCK is on the minus strand). VCF-style: chr4-106236756-C-G. GRCh37 (hg19) VCF-style: chr4-107157913-C-G.
Other names: c.1220+3G>C (NM_001163436.4); c.1031+3G>C (NM_033115.5); c.1103+3G>C (NM_001163437.3); c.704+3G>C (NM_001290768.2).
Identifiers: ClinVar variation 1525205 (VCV001525205.6), dbSNP rs2150011607, ClinGen allele CA2573137927.
Genomic context (GRCh38, chr4:106,236,756, plus strand): 5'-TTCTTATAAATCTAATATAAATAGAAAGAAAAATAAATCTAAAATGAGACTACATATACT[C>G]ACTCATCTTCAAGTAATGGGTAAAATGCTTCTCCACCAACATCTTTCAATCTCTGTGTAT-3'

ClinVar aggregate classification (germline): Uncertain significance (1 of 4 stars; one submission).

gnomAD v4.1: 1 of 1,477,542 alleles (0.000068%); highest among the groups gnomAD compares: East Asian, 0.0025%; no homozygotes.

Submission:

Labcorp Genetics (formerly Invitae), Labcorp
Classification: Uncertain significance. Last evaluated: 2022-08-16. Review status: criteria provided, single submitter. Criteria: Invitae Variant Classification Sherloc (09022015). Collection method: clinical testing. Allele origin: germline.
Comment: In summary, the available evidence is currently insufficient to determine the role of this variant in disease. Therefore, it has been classified as a Variant of Uncertain Significance. Variants that disrupt the consensus splice site are a relatively common cause of aberrant splicing (PMID: 17576681, 9536098). Algorithms developed to predict the effect of sequence changes on RNA splicing suggest that this variant may disrupt the consensus splice site. ClinVar contains an entry for this variant (Variation ID: 1525205). This variant has not been reported in the literature in individuals affected with TBCK-related conditions. This variant is not present in population databases (gnomAD no frequency). This sequence change falls in intron 13 of the TBCK gene. It does not directly change the encoded amino acid sequence of the TBCK protein. It affects a nucleotide within the consensus splice site.

Literature cited by the submitters: PubMed 17576681; PubMed 9536098.